The following is an entry in ClinVar:

NM_001378418.1(TCF20):c.3955G>A (p.Asp1319Asn)

Gene: TCF20 (transcription factor 20; minus strand). Cytogenetic location: 22q13.2.
Variant type: single nucleotide variant.
Coding change: c.3955G>A on transcript NM_001378418.1 (MANE Select); coding-DNA position 3955, G replaced by A.
Protein change: p.Asp1319Asn; replaces aspartic acid 1319 with asparagine.
Molecular consequence: missense variant.
Genome position (GRCh38, 1-based): chr22:42,211,351, C>T on the plus strand (G>A on the coding strand, the complement: TCF20 is on the minus strand). VCF-style: chr22-42211351-C-T. GRCh37 (hg19) VCF-style: chr22-42607357-C-T.
Other names: c.3955G>A, p.Asp1319Asn (NM_005650.4, NM_181492.3); short protein forms D1319N.
Identifiers: ClinVar variation 3769381 (VCV003769381.2).

ClinVar aggregate classification (germline): Uncertain significance (1 of 4 stars; one submission).

gnomAD v4.1: 2 of 1,614,098 alleles (0.00012%); highest among the groups gnomAD compares: Non-Finnish European, 0.00017%; no homozygotes.

Submission:

Women's Health and Genetics/Laboratory Corporation of America, LabCorp
Classification: Uncertain significance. Last evaluated: 2025-01-28. Review status: criteria provided, single submitter. Criteria: LabCorp Variant Classification Summary - May 2015. Collection method: clinical testing. Allele origin: germline.
Comment: Variant summary: TCF20 c.3955G>A (p.Asp1319Asn) results in a conservative amino acid change in the encoded protein sequence. Five of five in-silico tools predict a benign effect of the variant on protein function. The variant allele was found at a frequency of 4e-06 in 251476 control chromosomes. The available data on variant occurrences in the general population are insufficient to allow any conclusion about variant significance. To our knowledge, no occurrence of c.3955G>A in individuals affected with Developmental Delay With Variable Intellectual Impairment And Behavioral Abnormalities and no experimental evidence demonstrating its impact on protein function have been reported. No submitters have cited clinical-significance assessments for this variant to ClinVar. Based on the evidence outlined above, the variant was classified as uncertain significance.